The following is an entry in ClinVar:

ClinVar aggregate classification (germline): Uncertain significance (1 of 4 stars; one submission).

Conditions:
Bardet-Biedl syndrome (BBS). Identifiers: Orphanet 110, MedGen C0752166, MONDO:0015229.

Allele frequency attached by ClinVar (database versions not stated): gnomAD exomes below 0.00001.

Submission:

Labcorp Genetics (formerly Invitae), Labcorp
Classification: Uncertain significance for Bardet-Biedl syndrome. Last evaluated: 2022-06-08. Review status: criteria provided, single submitter. Criteria: Invitae Variant Classification Sherloc (09022015). Collection method: clinical testing. Allele origin: germline.
Comment: In summary, the available evidence is currently insufficient to determine the role of this variant in disease. Therefore, it has been classified as a Variant of Uncertain Significance. Algorithms developed to predict the effect of missense changes on protein structure and function are either unavailable or do not agree on the potential impact of this missense change (SIFT: "Tolerated"; PolyPhen-2: "Possibly Damaging"; Align-GVGD: "Class C0"). This variant has not been reported in the literature in individuals affected with BBS10-related conditions. This variant is present in population databases (no rsID available, gnomAD 0.0009%). This sequence change replaces glutamic acid, which is acidic and polar, with lysine, which is basic and polar, at codon 32 of the BBS10 protein (p.Glu32Lys).

NM_024685.4(BBS10):c.94G>A (p.Glu32Lys)

Gene: BBS10 (Bardet-Biedl syndrome 10; minus strand). Cytogenetic location: 12q21.2.
Variant type: single nucleotide variant.
Coding change: c.94G>A on transcript NM_024685.4 (MANE Select); coding-DNA position 94, G replaced by A.
Protein change: p.Glu32Lys; replaces glutamic acid 32 with lysine.
Molecular consequence: missense variant.
Genome position (GRCh38, 1-based): chr12:76,348,265, C>T on the plus strand (G>A on the coding strand, the complement: BBS10 is on the minus strand). VCF-style: chr12-76348265-C-T. GRCh37 (hg19) VCF-style: chr12-76742045-C-T.
Other names: short protein forms E32K.
Identifiers: ClinVar variation 1499913 (VCV001499913.6), dbSNP rs1208975003, ClinGen allele CA385816259.